The following is an entry in ClinVar:

NM_006005.3(WFS1):c.930A>G (p.Ala310=)

Gene: WFS1 (wolframin ER transmembrane glycoprotein; plus strand). Cytogenetic location: 4p16.1.
Variant type: single nucleotide variant.
Coding change: c.930A>G on transcript NM_006005.3 (MANE Select); coding-DNA position 930, A replaced by G.
Protein change: p.Ala310=; no amino-acid change (alanine 310 retained).
Molecular consequence: synonymous variant.
Genome position (GRCh38, 1-based): chr4:6,300,725, A>G. VCF-style: chr4-6300725-A-G. GRCh37 (hg19) VCF-style: chr4-6302452-A-G.
Other names: p.A310A:GCA>GCG; p.Ala310=; c.930A>G, p.Ala310= (NM_001145853.1).
Identifiers: ClinVar variation 45462 (VCV000045462.30), dbSNP rs115561278, ClinGen allele CA282590.

ClinVar aggregate classification (germline): Benign. Review status: criteria provided, multiple submitters, no conflicts (2 of 4 stars). 14 submissions from 13 submitters: Benign (11). 3 of the submissions do not count toward it. Last evaluated 2026-01-28.

Conditions:
WFS1-Related Spectrum Disorders.
Type 2 diabetes mellitus. Also called: Type II diabetes mellitus. Identifiers: MedGen C0011860, MeSH D003924, MONDO:0005148, OMIM 125853, HP:0005978.
Autosomal dominant nonsyndromic hearing loss 6 (LFSNHL). Also called: DEAFNESS, AUTOSOMAL DOMINANT 6; DEAFNESS, AUTOSOMAL DOMINANT 14; DEAFNESS, AUTOSOMAL DOMINANT 38; Autosomal dominant nonsyndromic deafness 6. Identifiers: Orphanet 90635, MedGen C1833021, MONDO:0010963, OMIM 600965.
Wolfram syndrome 1 (WFS1). Identifiers: Orphanet 3463, MedGen C4551693, MONDO:0009101, OMIM 222300.
Wolfram-like syndrome. Also called: HEARING LOSS, PROGRESSIVE, WITH OPTIC ATROPHY AND/OR IMPAIRED GLUCOSE REGULATION. Identifiers: Orphanet 411590, MedGen C3280358, MONDO:0013673, OMIM 614296.
Cataract 41 (CTRCT41). Also called: CATARACT 41, CONGENITAL NUCLEAR TYPE. Identifiers: Orphanet 91492, Orphanet 98991, Orphanet 98992, Orphanet 98995, MedGen C3805412, MONDO:0007287, OMIM 116400.

Allele frequency attached by ClinVar (database versions not stated): ExAC 0.00274; TOPMed 0.00810; gnomAD 0.00817 and 0.00845; 1000 Genomes Project 30x 0.00953; gnomAD exomes 0.00218; ESP Exome Variant Server 0.00984; 1000 Genomes Project 0.00919.
gnomAD v4.1: 2,651 of 1,614,034 alleles (0.16%); highest among the groups gnomAD compares: African/African-American, 2.8%; 46 homozygotes.

Submissions (14):

Labcorp Genetics (formerly Invitae), Labcorp
Classification: Benign. Last evaluated: 2026-01-28. Review status: criteria provided, single submitter. Criteria: Invitae Variant Classification Sherloc (09022015). Collection method: clinical testing. Allele origin: germline.

ARUP Laboratories, Molecular Genetics and Genomics, ARUP Laboratories
Classification: Benign. Last evaluated: 2025-05-15. Review status: criteria provided, single submitter. Criteria: ARUP Molecular Germline Variant Investigation Process 2024. Collection method: clinical testing. Allele origin: germline.

Mayo Clinic Laboratories, Mayo Clinic
Classification: Benign. Last evaluated: 2025-03-18. Review status: criteria provided, single submitter. Criteria: ACMG Guidelines, 2015. Collection method: clinical testing. Allele origin: germline. Observed: 2 variant alleles.
Comment: BA1

Fulgent Genetics
Classification: Benign for Cataract 41; Type 2 diabetes mellitus; Wolfram syndrome 1; Autosomal dominant nonsyndromic hearing loss 6; Wolfram-like syndrome. Last evaluated: 2021-08-11. Review status: criteria provided, single submitter. Criteria: ACMG Guidelines, 2015. Collection method: clinical testing. Allele origin: unknown.

Illumina Laboratory Services, Illumina
Classification: Benign for Autosomal dominant nonsyndromic hearing loss 6. Last evaluated: 2018-01-13. Review status: criteria provided, single submitter. Criteria: ICSL Variant Classification Criteria 13 December 2019. Collection method: clinical testing. Allele origin: germline.
Comment: This variant was observed in the ICSL laboratory as part of a predisposition screen in an ostensibly healthy population. It had not been previously curated by ICSL or reported in the Human Gene Mutation Database (HGMD: prior to June 1st, 2018), and was therefore a candidate for classification through an automated scoring system. Utilizing variant allele frequency, disease prevalence and penetrance estimates, and inheritance mode, an automated score was calculated to assess if this variant is too frequent to cause the disease. Based on the score and internal cut-off values, a variant classified as benign is not then subjected to further curation. The score for this variant resulted in a classification of benign for this disease.

Illumina Laboratory Services, Illumina
Classification: Benign for WFS1-Related Spectrum Disorders. Last evaluated: 2018-01-13. Review status: criteria provided, single submitter. Criteria: ICSL Variant Classification Criteria 13 December 2019. Collection method: clinical testing. Allele origin: germline.
Comment: the same text as in the submission from Illumina Laboratory Services, Illumina above.

GeneDx
Classification: Benign. Last evaluated: 2014-04-17. Review status: criteria provided, single submitter. Criteria: GeneDx Variant Classification (06012015). Collection method: clinical testing. Allele origin: germline. Affected: yes.
Comment: This variant is considered likely benign or benign based on one or more of the following criteria: it is a conservative change, it occurs at a poorly conserved position in the protein, it is predicted to be benign by multiple in silico algorithms, and/or has population frequency not consistent with disease.

Laboratory for Molecular Medicine, Mass General Brigham Personalized Medicine
Classification: Benign. Last evaluated: 2012-04-30. Review status: criteria provided, single submitter. Criteria: LMM Criteria. Collection method: clinical testing. Allele origin: germline. Observed: 6 variant alleles.
Comment: Ala310Ala in Exon 08 of WFS1: This variant is not expected to have clinical sign ificance because it does not alter an amino acid residue, is not located within the splice consensus sequence, and has been identified in 2.6% (99/3738) of Afri can American chromosomes from a broad population by the NHLBI Exome Sequencing P roject (dbSNP rs115561278).

Breakthrough Genomics
Classification: Benign. Review status: criteria provided, single submitter. Criteria: ACMG Guidelines, 2015. Collection method: not provided. Allele origin: germline. Inheritance: Autosomal recessive inheritance. Affected: yes.

Clinical Genomics, Uppaluri K&H Personalized Medicine Clinic
Classification: Benign for Wolfram syndrome 1. Review status: criteria provided, single submitter. Criteria: K & H Uppaluri Personalized Medicine Clinic Variant Classification & Assertion Criteria_Updated V.1. Collection method: research. Allele origin: unknown. Inheritance: Autosomal recessive inheritance.
Comment: Potent mutations in WFS1 gene are associated with Wolfram's syndrome, an autosomal recessive condition, which cause diabetes mellitus, diabetes insipidus, deafness and optic atrophy. However no sufficient evidence is found to ascertain the role of this particular variant rs115561278 in Wolfram's syndrome yet.

PreventionGenetics, part of Exact Sciences
Classification: Benign. Review status: criteria provided, single submitter. Criteria: ACMG Guidelines, 2015. Collection method: clinical testing. Allele origin: germline.

Clinical Genetics DNA and cytogenetics Diagnostics Lab, Erasmus MC, Erasmus Medical Center
Classification: Benign. Review status: no assertion criteria provided. Collection method: clinical testing. Allele origin: germline. Affected: yes. Study: VKGL Data-share Consensus. Not counted in ClinVar's aggregate classification.

Clinical Genetics, Academic Medical Center
Classification: Benign. Review status: no assertion criteria provided. Collection method: clinical testing. Allele origin: germline. Affected: yes. Study: VKGL Data-share Consensus. Not counted in ClinVar's aggregate classification.

Laboratory of Diagnostic Genome Analysis, Leiden University Medical Center (LUMC)
Classification: Likely benign. Review status: no assertion criteria provided. Collection method: clinical testing. Allele origin: germline. Affected: yes. Study: VKGL Data-share Consensus. Not counted in ClinVar's aggregate classification.

Literature cited by the submitters: PubMed 20738327 (cited by Clinical Genomics, Uppaluri K&H Personalized Medicine Clinic); PubMed 33879153 (cited by Clinical Genomics, Uppaluri K&H Personalized Medicine Clinic); PubMed 12955714 (cited by Clinical Genomics, Uppaluri K&H Personalized Medicine Clinic); PubMed 18060660 (cited by Clinical Genomics, Uppaluri K&H Personalized Medicine Clinic); PubMed 20301750 (cited by Clinical Genomics, Uppaluri K&H Personalized Medicine Clinic); PubMed 17603484 (cited by Clinical Genomics, Uppaluri K&H Personalized Medicine Clinic).